The following is an entry in ClinVar:

NM_001267550.2(TTN):c.107746G>C (p.Val35916Leu)

Genes: TTN-AS1 (TTN antisense RNA 1; plus strand), TTN (titin; minus strand). Cytogenetic location: 2q31.2.
Variant type: single nucleotide variant.
Coding change: c.107746G>C on transcript NM_001267550.2 (MANE Select); coding-DNA position 107746, G replaced by C.
Protein change: p.Val35916Leu; replaces valine 35916 with leucine.
Molecular consequence: missense variant.
Genome position (GRCh38, 1-based): chr2:178,527,242, C>G on the plus strand (G>C on the coding strand, the complement: TTN is on the minus strand). VCF-style: chr2-178527242-C-G. GRCh37 (hg19) VCF-style: chr2-179391969-C-G.
Other names: c.102823G>C, p.Val34275Leu (NM_001256850.1); c.80551G>C, p.Val26851Leu (NM_003319.4); c.100042G>C, p.Val33348Leu (NM_133378.4); c.80926G>C, p.Val26976Leu (NM_133432.3); c.81127G>C, p.Val27043Leu (NM_133437.4); short protein forms V26851L, V26976L, V27043L, V35916L, V33348L, V34275L.
Identifiers: ClinVar variation 1393827 (VCV001393827.5), dbSNP rs1686792927, ClinGen allele CA349399383.

ClinVar aggregate classification (germline): Uncertain significance (1 of 4 stars; one submission).

Conditions:
Dilated cardiomyopathy 1G (CMD1G). Identifiers: Orphanet 154, MedGen C1858763, MONDO:0011400, OMIM 604145.
Autosomal recessive limb-girdle muscular dystrophy type 2J (LGMDR10). Also called: Limb-girdle muscular dystrophy, type 2J; MUSCULAR DYSTROPHY, LIMB-GIRDLE, AUTOSOMAL RECESSIVE 10. Identifiers: Orphanet 140922, MedGen C1837342, MONDO:0012127, OMIM 608807.

Allele frequency attached by ClinVar (database versions not stated): gnomAD exomes 0.00001; TOPMed 0.00001.
gnomAD v4.1: 6 of 1,613,522 alleles (0.00037%); highest among the groups gnomAD compares: Non-Finnish European, 0.00051%; no homozygotes.

Submission:

Labcorp Genetics (formerly Invitae), Labcorp
Classification: Uncertain significance for Dilated cardiomyopathy 1G; Autosomal recessive limb-girdle muscular dystrophy type 2J. Last evaluated: 2024-10-28. Review status: criteria provided, single submitter. Criteria: Invitae Variant Classification Sherloc (09022015). Collection method: clinical testing. Allele origin: germline.
Comment: This sequence change replaces valine, which is neutral and non-polar, with leucine, which is neutral and non-polar, at codon 35916 of the TTN protein (p.Val35916Leu). This variant is not present in population databases (gnomAD no frequency). This variant has not been reported in the literature in individuals affected with TTN-related conditions. ClinVar contains an entry for this variant (Variation ID: 1393827). An algorithm developed to predict the effect of missense changes on protein structure and function outputs the following: PolyPhen-2: "Not Available". The leucine amino acid residue is found in multiple mammalian species, which suggests that this missense change does not adversely affect protein function. This variant is located in the M band of TTN (PMID: 25589632). Non-truncating variants in this region may be relevant for neuromuscular disorders, but have not been definitively shown to cause cardiomyopathy (PMID: 23975875). In summary, the available evidence is currently insufficient to determine the role of this variant in disease. Therefore, it has been classified as a Variant of Uncertain Significance.

Literature cited by the submitters: PubMed 25589632; PubMed 23975875.